The following is an entry in ClinVar:

NM_000875.5(IGF1R):c.2882A>G (p.Lys961Arg)

Gene: IGF1R (insulin like growth factor 1 receptor; plus strand). Cytogenetic location: 15q26.3.
Variant type: single nucleotide variant.
Coding change: c.2882A>G on transcript NM_000875.5 (MANE Select); coding-DNA position 2882, A replaced by G.
Protein change: p.Lys961Arg; replaces lysine 961 with arginine.
Molecular consequence: missense variant.
Genome position (GRCh38, 1-based): chr15:98,929,657, A>G. VCF-style: chr15-98929657-A-G. GRCh37 (hg19) VCF-style: chr15-99472886-A-G.
Other names: c.2879A>G, p.Lys960Arg (NM_001291858.2); short protein forms K960R, K961R.
Identifiers: ClinVar variation 2413713 (VCV002413713.14), dbSNP rs142543491, ClinGen allele CA7752541.

ClinVar aggregate classification (germline): Uncertain significance. Review status: criteria provided, multiple submitters, no conflicts (2 of 4 stars). 2 submissions from 2 submitters: Uncertain significance (2). Last evaluated 2025-07-01.

Allele frequency attached by ClinVar (database versions not stated): gnomAD exomes below 0.00001; ExAC 0.00002; gnomAD 0.00002; TOPMed 0.00002; ESP Exome Variant Server 0.00023.
gnomAD v4.1: 4 of 1,608,854 alleles (0.00025%); highest among the groups gnomAD compares: African/African-American, 0.004%; no homozygotes.

Submissions (2):

CeGaT Center for Human Genetics Tuebingen
Classification: Uncertain significance. Last evaluated: 2025-07-01. Review status: criteria provided, single submitter. Criteria: CeGaT Center For Human Genetics Tuebingen Variant Classification Criteria Version 2. Collection method: clinical testing. Allele origin: germline. Affected: yes. Observed: 1 variant allele.
Comment: IGF1R: PM2, BP4

Labcorp Genetics (formerly Invitae), Labcorp
Classification: Uncertain significance. Last evaluated: 2023-11-19. Review status: criteria provided, single submitter. Criteria: Invitae Variant Classification Sherloc (09022015). Collection method: clinical testing. Allele origin: germline.
Comment: This sequence change replaces lysine, which is basic and polar, with arginine, which is basic and polar, at codon 961 of the IGF1R protein (p.Lys961Arg). This variant is present in population databases (rs142543491, gnomAD 0.02%). This variant has not been reported in the literature in individuals affected with IGF1R-related conditions. ClinVar contains an entry for this variant (Variation ID: 2413713). Advanced modeling of protein sequence and biophysical properties (such as structural, functional, and spatial information, amino acid conservation, physicochemical variation, residue mobility, and thermodynamic stability) performed at Invitae indicates that this missense variant is not expected to disrupt IGF1R protein function with a negative predictive value of 80%. In summary, the available evidence is currently insufficient to determine the role of this variant in disease. Therefore, it has been classified as a Variant of Uncertain Significance.